The following is an entry in ClinVar:

ClinVar aggregate classification (germline): Likely pathogenic (1 of 4 stars; one submission).

Conditions:
Isovaleryl-CoA dehydrogenase deficiency (IVA). Also called: ISOVALERIC ACID CoA DEHYDROGENASE DEFICIENCY; Isovaleric acidemia; Classic Isovaleric Acidemia; IVD DEFICIENCY. Identifiers: Orphanet 33, MedGen C0268575, MONDO:0009475, OMIM 243500.

Submission:

Natera, Inc.
Classification: Likely pathogenic for Isovaleryl-coa dehydrogenase deficiency. Last evaluated: 2025-05-28. Review status: criteria provided, single submitter. Criteria: Natera Variant Classification Schema (03/2026). Collection method: clinical testing. Allele origin: germline.
Comment: The c.94del variant in IVD is a frameshift variant predicted to shift the reading frame beginning at codon 32 and leads to a stop codon 14 codons downstream. This variant is expected to result in nonsense mediated decay, truncation, or a dysfunctional protein product. This variant is rare in the general population with a frequency below the threshold expected for the associated phenotype(s). Given the available evidence, this variant is classified as Likely Pathogenic.

NM_002225.5(IVD):c.85del (p.Ala29fs)

Gene: IVD (isovaleryl-CoA dehydrogenase; plus strand). Cytogenetic location: 15q15.1.
Variant type: Deletion.
Coding change: c.85del on transcript NM_002225.5 (MANE Select); coding-DNA position 85, one base deleted (G; older notation c.85delG).
Protein change: p.Ala29fs; shifts the reading frame from alanine 29.
Molecular consequence: frameshift variant. On other transcripts: 5 prime UTR variant (1), non-coding transcript variant (1).
Genome position (GRCh38, 1-based): chr15:40,405,912, G deleted; the last of 3 consecutive G bases (chr15:40,405,910-40,405,912); deleting any one gives the same sequence. VCF-style (leftmost placement, unchanged base first): chr15-40405909-CG-C. GRCh37 (hg19) VCF-style: chr15-40698110-CG-C.
Other names: c.85del, p.Ala29fs (NM_001159508.3, NM_001354598.3, NM_001354599.3 and 2 more transcripts); c.-343del (NM_001354597.3); short protein forms A29fs.
Identifiers: ClinVar variation 4815007 (VCV004815007.1).